The following is an entry in ClinVar:

NM_013275.6(ANKRD11):c.5623G>A (p.Val1875Ile)

Gene: ANKRD11 (ankyrin repeat domain 11; minus strand). Cytogenetic location: 16q24.3.
Variant type: single nucleotide variant.
Coding change: c.5623G>A on transcript NM_013275.6 (MANE Select); coding-DNA position 5623, G replaced by A.
Protein change: p.Val1875Ile; replaces valine 1875 with isoleucine.
Molecular consequence: missense variant.
Genome position (GRCh38, 1-based): chr16:89,280,919, C>T on the plus strand (G>A on the coding strand, the complement: ANKRD11 is on the minus strand). VCF-style: chr16-89280919-C-T. GRCh37 (hg19) VCF-style: chr16-89347327-C-T.
Other names: c.5623G>A, p.Val1875Ile (NM_001256182.2, NM_001256183.2); c.5623G>A (NM_013275.4); short protein forms V1875I.
Identifiers: ClinVar variation 1706860 (VCV001706860.9), dbSNP rs367577142, ClinGen allele CA8241775.

ClinVar aggregate classification (germline): Conflicting classifications of pathogenicity. Review status: criteria provided, conflicting classifications (1 of 4 stars). 4 submissions from 4 submitters: Uncertain significance (1); Likely benign (3). Last evaluated 2024-11-12.

Conditions:
Inborn genetic diseases. Identifiers: MedGen C0950123, MeSH D030342.
KBG syndrome (KBGS). Also called: ANKRD11-Related KBG Syndrome. Identifiers: Orphanet 2332, MedGen C0220687, MONDO:0007846, OMIM 148050.

Allele frequency attached by ClinVar (database versions not stated): gnomAD exomes 0.00003; gnomAD 0.00004; TOPMed 0.00004; ExAC 0.00005; ESP Exome Variant Server 0.00015.
gnomAD v4.1: 48 of 1,597,170 alleles (0.003%); highest among the groups gnomAD compares: Non-Finnish European, 0.0041%; no homozygotes.

Submissions (4):

Blueprint Genetics
Classification: Likely benign. Last evaluated: 2024-11-12. Review status: criteria provided, single submitter. Criteria: ACMG Guidelines, 2015. Collection method: clinical testing. Allele origin: germline.

Labcorp Genetics (formerly Invitae), Labcorp
Classification: Uncertain significance for KBG syndrome. Last evaluated: 2024-03-29. Review status: criteria provided, single submitter. Criteria: Invitae Variant Classification Sherloc (09022015). Collection method: clinical testing. Allele origin: germline.
Comment: This sequence change replaces valine, which is neutral and non-polar, with isoleucine, which is neutral and non-polar, at codon 1875 of the ANKRD11 protein (p.Val1875Ile). This variant is present in population databases (rs367577142, gnomAD 0.008%). This variant has not been reported in the literature in individuals affected with ANKRD11-related conditions. ClinVar contains an entry for this variant (Variation ID: 1706860). Advanced modeling of protein sequence and biophysical properties (such as structural, functional, and spatial information, amino acid conservation, physicochemical variation, residue mobility, and thermodynamic stability) performed at Invitae indicates that this missense variant is not expected to disrupt ANKRD11 protein function with a negative predictive value of 95%. In summary, the available evidence is currently insufficient to determine the role of this variant in disease. Therefore, it has been classified as a Variant of Uncertain Significance.

Ambry Genetics
Classification: Likely benign for Inborn genetic diseases. Last evaluated: 2022-05-10. Review status: criteria provided, single submitter. Criteria: Ambry Variant Classification Scheme 2023. Collection method: clinical testing. Allele origin: germline.

GeneDx
Classification: Likely benign. Last evaluated: 2021-03-23. Review status: criteria provided, single submitter. Criteria: GeneDx Variant Classification Process June 2021. Collection method: clinical testing. Allele origin: germline. Affected: yes.
Comment: See Variant Classification Assertion Criteria.